The following is an entry in ClinVar:

NM_001466.4(FZD2):c.880T>C (p.Tyr294His)

Gene: FZD2 (frizzled class receptor 2; plus strand). Cytogenetic location: 17q21.31.
Variant type: single nucleotide variant.
Coding change: c.880T>C on transcript NM_001466.4 (MANE Select); coding-DNA position 880, T replaced by C.
Protein change: p.Tyr294His; replaces tyrosine 294 with histidine.
Molecular consequence: missense variant.
Genome position (GRCh38, 1-based): chr17:44,558,568, T>C. VCF-style: chr17-44558568-T-C. GRCh37 (hg19) VCF-style: chr17-42635936-T-C.
Other names: short protein forms Y294H.
Identifiers: ClinVar variation 1355154 (VCV001355154.8), dbSNP rs2144573220, ClinGen allele CA399795320.

ClinVar aggregate classification (germline): Uncertain significance (1 of 4 stars; one submission).

Submission:

Labcorp Genetics (formerly Invitae), Labcorp
Classification: Uncertain significance. Last evaluated: 2021-05-19. Review status: criteria provided, single submitter. Criteria: Invitae Variant Classification Sherloc (09022015). Collection method: clinical testing. Allele origin: germline.
Comment: This variant has not been reported in the literature in individuals with FZD2-related conditions. In summary, the available evidence is currently insufficient to determine the role of this variant in disease. Therefore, it has been classified as a Variant of Uncertain Significance. Algorithms developed to predict the effect of missense changes on protein structure and function are either unavailable or do not agree on the potential impact of this missense change (SIFT: "Deleterious"; PolyPhen-2: "Benign"; Align-GVGD: "Class C65"). This variant is not present in population databases (ExAC no frequency). This sequence change replaces tyrosine with histidine at codon 294 of the FZD2 protein (p.Tyr294His). The tyrosine residue is highly conserved and there is a moderate physicochemical difference between tyrosine and histidine.